The following is an entry in ClinVar:

ClinVar aggregate classification (germline): Uncertain significance (1 of 4 stars; one submission).

Submission:

Labcorp Genetics (formerly Invitae), Labcorp
Classification: Uncertain significance. Last evaluated: 2023-05-03. Review status: criteria provided, single submitter. Criteria: Invitae Variant Classification Sherloc (09022015). Collection method: clinical testing. Allele origin: germline.
Comment: In summary, the available evidence is currently insufficient to determine the role of this variant in disease. Therefore, it has been classified as a Variant of Uncertain Significance. Variants that disrupt the consensus splice site are a relatively common cause of aberrant splicing (PMID: 17576681, 9536098). Algorithms developed to predict the effect of sequence changes on RNA splicing suggest that this variant may disrupt the consensus splice site. This variant has not been reported in the literature in individuals affected with PLEKHM2-related conditions. This variant is not present in population databases (gnomAD no frequency). This sequence change falls in intron 19 of the PLEKHM2 gene. It does not directly change the encoded amino acid sequence of the PLEKHM2 protein. It affects a nucleotide within the consensus splice site.

Literature cited by the submitters: PubMed 17576681; PubMed 9536098.

NM_015164.4(PLEKHM2):c.2922+1_2922+3del

Gene: PLEKHM2 (pleckstrin homology and RUN domain containing M2; plus strand). Cytogenetic location: 1p36.21.
Variant type: Deletion.
Coding change: c.2922+1_2922+3del on transcript NM_015164.4 (MANE Select); the canonical splice donor site of the intron after coding-DNA position 2922 through 3 bases into the intron after coding-DNA position 2922, 3 bases deleted (GTA; older notation c.2922+1_2922+3delGTA).
Molecular consequence: splice donor variant.
Genome position (GRCh38, 1-based): chr1:15,732,729-15,732,731, GTA deleted. VCF-style (leftmost placement, unchanged base first): chr1-15732728-GGTA-G. GRCh37 (hg19) VCF-style: chr1-16059223-GGTA-G.
Other names: c.2862+1_2862+3del (NM_001410755.1).
Identifiers: ClinVar variation 2861878 (VCV002861878.3), dbSNP rs2522482415, ClinGen allele CA2739272320.